The following is an entry in ClinVar:

ClinVar aggregate classification (germline): Uncertain significance. Review status: criteria provided, multiple submitters, no conflicts (2 of 4 stars). 2 submissions from 2 submitters: Uncertain significance (2). Last evaluated 2025-08-04.

Conditions:
Inborn genetic diseases. Identifiers: MedGen C0950123, MeSH D030342.
PHIP-related disorder. Also called: PHIP-related condition; PHIP-related disorders.

Allele frequency attached by ClinVar (database versions not stated): gnomAD exomes below 0.00001; gnomAD 0.00001; TOPMed 0.00002.
gnomAD v4.1: 7 of 1,580,770 alleles (0.00044%); highest among the groups gnomAD compares: African/African-American, 0.0068%; no homozygotes.

Submissions (2):

PreventionGenetics, part of Exact Sciences
Classification: Uncertain significance for PHIP-related condition. Last evaluated: 2025-08-04. Review status: criteria provided, single submitter. Criteria: ACMG Guidelines, 2015. Collection method: clinical testing. Allele origin: germline.
Comment: The PHIP c.2203A>G variant is predicted to result in the amino acid substitution p.Arg735Gly. To our knowledge, this variant has not been reported in the literature. This variant is reported in 0.0063% of alleles in individuals of African descent in gnomAD. At this time, the clinical significance of this variant is uncertain due to the absence of conclusive functional and genetic evidence.

Ambry Genetics
Classification: Uncertain significance for Inborn genetic diseases. Last evaluated: 2022-10-06. Review status: criteria provided, single submitter. Criteria: Ambry Variant Classification Scheme 2023. Collection method: clinical testing. Allele origin: germline.

NM_017934.7(PHIP):c.2203A>G (p.Arg735Gly)

Gene: PHIP (PHIP subunit of CUL4-Ring ligase complex; minus strand). Cytogenetic location: 6q14.1.
Variant type: single nucleotide variant.
Coding change: c.2203A>G on transcript NM_017934.7 (MANE Select); coding-DNA position 2203, A replaced by G.
Protein change: p.Arg735Gly; replaces arginine 735 with glycine.
Molecular consequence: missense variant.
Genome position (GRCh38, 1-based): chr6:78,990,984, T>C on the plus strand (A>G on the coding strand, the complement: PHIP is on the minus strand). VCF-style: chr6-78990984-T-C. GRCh37 (hg19) VCF-style: chr6-79700701-T-C.
Other names: c.2203A>G (NM_017934.6); short protein forms R735G.
Identifiers: ClinVar variation 2401340 (VCV002401340.4), dbSNP rs1444928042, ClinGen allele CA364628402.